The following is an entry in ClinVar:

ClinVar aggregate classification (germline): Uncertain significance. Review status: criteria provided, multiple submitters, no conflicts (2 of 4 stars). 2 submissions from 2 submitters: Uncertain significance (2). Last evaluated 2025-05-31.

Conditions:
Hereditary cancer-predisposing syndrome. Also called: Hereditary neoplastic syndrome; Tumor predisposition; Neoplastic Syndromes, Hereditary; Hereditary Cancer Syndrome. Identifiers: Orphanet 140162, MedGen C0027672, MeSH D009386, MONDO:0015356.
Birt-Hogg-Dube syndrome. Also called: Birt Hogg Dubé syndrome. Identifiers: Orphanet 122, MedGen C0346010, MONDO:0800444.

Allele frequency attached by ClinVar (database versions not stated): gnomAD exomes below 0.00001; TOPMed 0.00001; ExAC 0.00002.

Submissions (2):

Ambry Genetics
Classification: Uncertain significance for Hereditary cancer-predisposing syndrome. Last evaluated: 2025-05-31. Review status: criteria provided, single submitter. Criteria: Ambry Variant Classification Scheme 2023. Collection method: clinical testing. Allele origin: germline.
Comment: The p.A290T variant (also known as c.868G>A), located in coding exon 5 of the FLCN gene, results from a G to A substitution at nucleotide position 868. The alanine at codon 290 is replaced by threonine, an amino acid with similar properties. This amino acid position is conserved. In addition, this alteration is predicted to be tolerated by in silico analysis. Since supporting evidence is limited at this time, the clinical significance of this alteration remains unclear.

Labcorp Genetics (formerly Invitae), Labcorp
Classification: Uncertain significance for Birt-Hogg-Dube syndrome. Last evaluated: 2025-03-02. Review status: criteria provided, single submitter. Criteria: Invitae Variant Classification Sherloc (09022015). Collection method: clinical testing. Allele origin: germline.
Comment: This sequence change replaces alanine, which is neutral and non-polar, with threonine, which is neutral and polar, at codon 290 of the FLCN protein (p.Ala290Thr). This variant is not present in population databases (gnomAD no frequency). This variant has not been reported in the literature in individuals affected with FLCN-related conditions. ClinVar contains an entry for this variant (Variation ID: 956055). Invitae Evidence Modeling of protein sequence and biophysical properties (such as structural, functional, and spatial information, amino acid conservation, physicochemical variation, residue mobility, and thermodynamic stability) indicates that this missense variant is not expected to disrupt FLCN protein function with a negative predictive value of 80%. In summary, the available evidence is currently insufficient to determine the role of this variant in disease. Therefore, it has been classified as a Variant of Uncertain Significance.

NM_144997.7(FLCN):c.868G>A (p.Ala290Thr)

Gene: FLCN (folliculin; minus strand). Cytogenetic location: 17p11.2.
Variant type: single nucleotide variant.
Coding change: c.868G>A on transcript NM_144997.7 (MANE Select); coding-DNA position 868, G replaced by A.
Protein change: p.Ala290Thr; replaces alanine 290 with threonine.
Molecular consequence: missense variant.
Genome position (GRCh38, 1-based): chr17:17,221,540, C>T on the plus strand (G>A on the coding strand, the complement: FLCN is on the minus strand). VCF-style: chr17-17221540-C-T. GRCh37 (hg19) VCF-style: chr17-17124854-C-T.
Other names: c.922G>A, p.Ala308Thr (NM_001353229.2); c.868G>A, p.Ala290Thr (NM_001353230.2, NM_001353231.2, NM_144606.7); short protein forms A290T, A308T.
Identifiers: ClinVar variation 956055 (VCV000956055.10), dbSNP rs767119281, ClinGen allele CA8416269.